The following is an entry in ClinVar:

NM_020937.4(FANCM):c.1777C>T (p.Arg593Ter)

Gene: FANCM (FA complementation group M; plus strand). Cytogenetic location: 14q21.2.
Variant type: single nucleotide variant.
Coding change: c.1777C>T on transcript NM_020937.4 (MANE Select); coding-DNA position 1777, C replaced by T.
Protein change: p.Arg593Ter; replaces arginine 593 with a stop codon.
Molecular consequence: nonsense.
Genome position (GRCh38, 1-based): chr14:45,164,554, C>T. VCF-style: chr14-45164554-C-T. GRCh37 (hg19) VCF-style: chr14-45633757-C-T.
Other names: c.1699C>T, p.Arg567Ter (NM_001308133.2); c.1777C>T, p.Arg593Ter (NM_001308134.2); c.1777C>T (NM_020937.3); short protein forms R567*, R593*.
Identifiers: ClinVar variation 838505 (VCV000838505.11), dbSNP rs773014744, ClinGen allele CA259623298.

ClinVar aggregate classification (germline): Pathogenic/Likely pathogenic. Review status: criteria provided, multiple submitters, no conflicts (2 of 4 stars). 3 submissions from 3 submitters: Pathogenic (1); Likely pathogenic (2). Last evaluated 2024-10-16.

Conditions:
Fanconi anemia (FA). Also called: Fanconi's anemia. Identifiers: Orphanet 84, MedGen C0015625, MeSH D005199, MONDO:0019391.

Allele frequency attached by ClinVar (database versions not stated): gnomAD exomes 0.00002; gnomAD 0.00003 and 0.00004; TOPMed 0.00003.
gnomAD v4.1: 35 of 1,610,722 alleles (0.0022%); highest among the groups gnomAD compares: African/African-American, 0.0067%; no homozygotes.

Submissions (3):

Quest Diagnostics Nichols Institute San Juan Capistrano
Classification: Likely pathogenic. Last evaluated: 2024-10-16. Review status: criteria provided, single submitter. Criteria: Quest Diagnostics criteria. Collection method: clinical testing. Allele origin: unknown.
Comment: The FANCM c.1777C>T (p.Arg593*) variant is predicted to cause the premature termination of FANCM protein synthesis. This variant has been reported in the published literature in individuals with breast cancer (PMID: 33471991 (2021), see also LOVD), ovarian cancer (PMID: 28881617 (2017) and in reportedly healthy individuals (PMID: 32427313 (2020), 33471991 (2021), see also LOVD). The frequency of this variant in the general population, 0.000064 (2/31394 chromosomes (Genome Aggregation Database)), is uninformative in the assessment of its pathogenicity. Based on the available information, this variant is classified as likely pathogenic.

GeneDx
Classification: Likely pathogenic. Last evaluated: 2024-09-10. Review status: criteria provided, single submitter. Criteria: GeneDx Variant Classification Process June 2021. Collection method: clinical testing. Allele origin: germline. Affected: yes.
Comment: Nonsense variant predicted to result in protein truncation or nonsense mediated decay in a gene for which loss of function is a known mechanism of disease; Not observed at significant frequency in large population cohorts (gnomAD); Identified in an individual with ovarian cancer as well as unaffected controls (PMID: 28881617, 32427313); This variant is associated with the following publications: (PMID: 28404948, 30075111, 29895858, 32427313, 28881617)

Labcorp Genetics (formerly Invitae), Labcorp
Classification: Pathogenic for Fanconi anemia. Last evaluated: 2024-02-18. Review status: criteria provided, single submitter. Criteria: Invitae Variant Classification Sherloc (09022015). Collection method: clinical testing. Allele origin: germline.
Comment: This sequence change creates a premature translational stop signal (p.Arg593*) in the FANCM gene. It is expected to result in an absent or disrupted protein product. Loss-of-function variants in FANCM are known to be pathogenic (PMID: 29895858, 30075111). This variant is present in population databases (rs773014744, gnomAD 0.02%). This premature translational stop signal has been observed in individual(s) with ovarian cancer (PMID: 28881617). ClinVar contains an entry for this variant (Variation ID: 838505). For these reasons, this variant has been classified as Pathogenic.

Literature cited by the submitters: PubMed 33471991 (cited by Quest Diagnostics Nichols Institute San Juan Capistrano); PubMed 28881617 (cited by Quest Diagnostics Nichols Institute San Juan Capistrano and Labcorp Genetics (formerly Invitae), Labcorp); PubMed 32427313 (cited by Quest Diagnostics Nichols Institute San Juan Capistrano); PubMed 29895858 (cited by Labcorp Genetics (formerly Invitae), Labcorp); PubMed 30075111 (cited by Labcorp Genetics (formerly Invitae), Labcorp).